The following is an entry in ClinVar:

NM_002439.5(MSH3):c.389T>G (p.Val130Gly)

Gene: MSH3 (mutS homolog 3; plus strand). Cytogenetic location: 5q14.1.
Variant type: single nucleotide variant.
Coding change: c.389T>G on transcript NM_002439.5 (MANE Select); coding-DNA position 389, T replaced by G.
Protein change: p.Val130Gly; replaces valine 130 with glycine.
Molecular consequence: missense variant.
Genome position (GRCh38, 1-based): chr5:80,665,173, T>G. VCF-style: chr5-80665173-T-G. GRCh37 (hg19) VCF-style: chr5-79960992-T-G.
Other names: short protein forms V130G.
Identifiers: ClinVar variation 1490776 (VCV001490776.8), dbSNP rs2112808721, ClinGen allele CA360263077.
Genomic context (GRCh38, chr5:80,665,173, plus strand): 5'-GTTCTGTTTTCTTCTTATTTGCTGCCTAAGAGCCAAAGAAATGTCTGAGGACCAGGAATG[T>G]TTCAAAGTCTCTGGAAAAATTGAAAGAATTCTGCTGCGATTCTGCCCTTCCTCAAAGTAG-3'
Protein context (NP_002430.3, residues 120-140): EPKKCLRTRN[Val130Gly]SKSLEKLKEF

ClinVar aggregate classification (germline): Uncertain significance. Review status: criteria provided, multiple submitters, no conflicts (2 of 4 stars). 2 submissions from 2 submitters: Uncertain significance (2). Last evaluated 2022-08-10.

Conditions:
Hereditary cancer-predisposing syndrome. Also called: Tumor predisposition; Hereditary neoplastic syndrome; Neoplastic Syndromes, Hereditary; Hereditary Cancer Syndrome. Identifiers: Orphanet 140162, MedGen C0027672, MeSH D009386, MONDO:0015356.

Allele frequency attached by ClinVar (database versions not stated): gnomAD exomes below 0.00001.
gnomAD v4.1: 1 of 1,614,110 alleles (0.000062%); highest among the groups gnomAD compares: Non-Finnish European, 0.000085%; no homozygotes.

Submissions (2):

Ambry Genetics
Classification: Uncertain significance for Hereditary cancer-predisposing syndrome. Last evaluated: 2022-08-10. Review status: criteria provided, single submitter. Criteria: Ambry Variant Classification Scheme 2023. Collection method: clinical testing. Allele origin: germline.
Comment: The p.V130G variant (also known as c.389T>G), located in coding exon 3 of the MSH3 gene, results from a T to G substitution at nucleotide position 389. The valine at codon 130 is replaced by glycine, an amino acid with dissimilar properties. This amino acid position is conserved. In addition, this alteration is predicted to be tolerated by in silico analysis. Since supporting evidence is limited at this time, the clinical significance of this alteration remains unclear.

Labcorp Genetics (formerly Invitae), Labcorp
Classification: Uncertain significance. Last evaluated: 2021-11-24. Review status: criteria provided, single submitter. Criteria: Invitae Variant Classification Sherloc (09022015). Collection method: clinical testing. Allele origin: germline.
Comment: In summary, the available evidence is currently insufficient to determine the role of this variant in disease. Therefore, it has been classified as a Variant of Uncertain Significance. Algorithms developed to predict the effect of missense changes on protein structure and function are either unavailable or do not agree on the potential impact of this missense change (SIFT: "Deleterious"; PolyPhen-2: "Benign"; Align-GVGD: "Class C0"). This variant has not been reported in the literature in individuals affected with MSH3-related conditions. This variant is not present in population databases (gnomAD no frequency). This sequence change replaces valine, which is neutral and non-polar, with glycine, which is neutral and non-polar, at codon 130 of the MSH3 protein (p.Val130Gly).